The following is an entry in ClinVar:

NM_001171613.2(PREPL):c.-49+1857A>G

Gene: PREPL (prolyl endopeptidase like; minus strand). Cytogenetic location: 2p21.
Variant type: single nucleotide variant.
Coding change: c.-49+1857A>G on transcript NM_001171613.2 (MANE Select); 1857 bases into the intron after 49 bases upstream of the start codon, A replaced by G.
Molecular consequence: intron variant. On other transcripts: missense variant (7).
Genome position (GRCh38, 1-based): chr2:44,359,523, T>C on the plus strand (A>G on the coding strand, the complement: PREPL is on the minus strand). VCF-style: chr2-44359523-T-C. GRCh37 (hg19) VCF-style: chr2-44586662-T-C.
Other names: c.193A>G, p.Ile65Val (NM_001042385.2, NM_001042386.2, NM_001171603.1 and 4 more transcripts); c.-49+2001A>G (NM_001171617.1); c.-49+1894A>G (NM_001374277.1); short protein forms I65V.
Identifiers: ClinVar variation 1426292 (VCV001426292.8), dbSNP rs1677431287, ClinGen allele CA346694778.

ClinVar aggregate classification (germline): Uncertain significance (1 of 4 stars; one submission).

Conditions:
Myasthenic syndrome, congenital, 22 (CMS22). Also called: PREPL DEFICIENCY. Identifiers: MedGen C4479088, MONDO:0044299, OMIM 616224.

Allele frequency attached by ClinVar (database versions not stated): gnomAD 0.00001.

Submission:

Labcorp Genetics (formerly Invitae), Labcorp
Classification: Uncertain significance for Myasthenic syndrome, congenital, 22. Last evaluated: 2022-07-05. Review status: criteria provided, single submitter. Criteria: Invitae Variant Classification Sherloc (09022015). Collection method: clinical testing. Allele origin: germline.
Comment: This variant is not present in population databases (gnomAD no frequency). This sequence change replaces isoleucine, which is neutral and non-polar, with valine, which is neutral and non-polar, at codon 65 of the PREPL protein (p.Ile65Val). This variant has not been reported in the literature in individuals affected with PREPL-related conditions. In summary, the available evidence is currently insufficient to determine the role of this variant in disease. Therefore, it has been classified as a Variant of Uncertain Significance. Algorithms developed to predict the effect of missense changes on protein structure and function output the following: SIFT: "Tolerated"; PolyPhen-2: "Benign"; Align-GVGD: "Class C0". The valine amino acid residue is found in multiple mammalian species, which suggests that this missense change does not adversely affect protein function. ClinVar contains an entry for this variant (Variation ID: 1426292).